The following is an entry in ClinVar:

NM_000257.4(MYH7):c.457del (p.His153fs)

Gene: MYH7 (myosin heavy chain 7; minus strand). Cytogenetic location: 14q11.2.
Variant type: Deletion.
Coding change: c.457del on transcript NM_000257.4 (MANE Select); coding-DNA position 457, one base deleted (C; older notation c.457delC).
Protein change: p.His153fs; shifts the reading frame from histidine 153.
Molecular consequence: frameshift variant.
Genome position (GRCh38, 1-based): chr14:23,432,684, G deleted on the plus strand (C on the coding strand, the reverse complement: MYH7 is on the minus strand); the first of 4 consecutive G bases (chr14:23,432,684-23,432,687); deleting any one gives the same sequence. VCF-style (leftmost placement, unchanged base first): chr14-23432683-TG-T. GRCh37 (hg19) VCF-style: chr14-23901892-TG-T.
Other names: NM_000257.4(MYH7):c.457del; p.His153fs; c.457del (LRG_384t1); short protein forms H153fs.
Identifiers: ClinVar variation 43028 (VCV000043028.15), dbSNP rs397516224, ClinGen allele CA015125.

ClinVar aggregate classification (germline): Uncertain significance. Review status: reviewed by expert panel (3 of 4 stars). 3 submissions from 3 submitters: Uncertain significance (1). 2 of the submissions do not count toward it. Last evaluated 2025-11-11.

Conditions:
Primary dilated cardiomyopathy (DCM). Also called: Dilated Cardiomyopathy. Identifiers: Orphanet 217604, MedGen C0007193, MeSH D002311, MONDO:0005021, HP:0001644. Inheritance: Various modes of inheritance.
Hypertrophic cardiomyopathy. Also called: HYPERTROPHIC MYOCARDIOPATHY. Identifiers: Orphanet 217569, MedGen C0007194, MeSH D002312, MONDO:0005045, HP:0001639.

Submissions (3):

ClinGen Cardiomyopathy Variant Curation Expert Panel
Classification: Uncertain significance for Primary dilated cardiomyopathy. Last evaluated: 2025-11-11. Review status: reviewed by expert panel. Criteria: ClinGen CMP ACMG Specifications v1. Collection method: curation. Allele origin: germline. Inheritance: Autosomal dominant inheritance.
Comment: This variant has been identified in 0.000879% (1/113760) of European (Non-Finnish) chromosomes in gnomAD v2.1.1 (PM2). This variant is predicted to cause a frameshift leading to a truncated or absent protein and the contribution of LOF variants in MYH7 to autosomal dominant inherited cardiomyopathy is incompletely understood. In summary, due to a lack of evidence, this variant is classified as uncertain significance for cardiomyopathy in an autosomal dominant manner. MYH7-specific ACMG/AMP criteria applied (Kelly 2018 PMID:29300372): PM2.

Labcorp Genetics (formerly Invitae), Labcorp
Classification: Uncertain significance for Hypertrophic cardiomyopathy. Last evaluated: 2022-07-19. Review status: criteria provided, single submitter. Criteria: Invitae Variant Classification Sherloc (09022015). Collection method: clinical testing. Allele origin: germline. Not counted in ClinVar's aggregate classification.
Comment: In summary, the available evidence is currently insufficient to determine the role of this variant in disease. Therefore, it has been classified as a Variant of Uncertain Significance. ClinVar contains an entry for this variant (Variation ID: 43028). This premature translational stop signal has been observed in individual(s) with dilated cardiomyopathy (PMID: 20474083). This variant is present in population databases (rs397516224, gnomAD 0.0009%). This sequence change creates a premature translational stop signal (p.His153Thrfs*14) in the MYH7 gene. It is expected to result in an absent or disrupted protein product. However, the current clinical and genetic evidence is not sufficient to establish whether loss-of-function variants in MYH7 cause disease.

Laboratory for Molecular Medicine, Mass General Brigham Personalized Medicine
Classification: Likely pathogenic for Primary dilated cardiomyopathy. Last evaluated: 2016-04-06. Review status: criteria provided, single submitter. Criteria: LMM Criteria. Collection method: clinical testing. Allele origin: germline. Inheritance: Autosomal recessive inheritance. Observed: 4 variant alleles. Not counted in ClinVar's aggregate classification.
Comment: This variant is predicted to cause a frameshift, whic h alters the protein?s amino acid sequence beginning at position 153 and leads t o a premature termination codon 14 amino acids downstream. This alteration is th en predicted to lead to a truncated or absent protein. Although heterozygous los s-of-function (LOF) variants in MYH7, such as this variant, are not believed to be pathogenic for the dominant condition more classically associated to MYH7, wh en a LOF variant is found in trans with another variant affecting function, a mo re severe and early-onset cardiomyopathy presentation can occur (LMM unpublished data). It should be noted that loss of function variants in the MYH7 gene are very rare and therefore an understanding of their potential impact is not well s tudied. In summary, this variant leads to a predicted loss-of-function of the pr otein and, although additional studies are required to fully establish its clini cal significance, it is likely pathogenic for a recessive presentation.

Literature cited by the submitters: PubMed 20474083 (cited by Labcorp Genetics (formerly Invitae), Labcorp).